The following is an entry in ClinVar:

ClinVar aggregate classification (germline): Uncertain significance (1 of 4 stars; one submission).

Conditions:
Inborn genetic diseases. Identifiers: MedGen C0950123, MeSH D030342.

Submission:

Ambry Genetics
Classification: Uncertain significance for Inborn genetic diseases. Last evaluated: 2026-07-26. Review status: criteria provided, single submitter. Criteria: Ambry Variant Classification Scheme 2023. Collection method: clinical testing. Allele origin: germline.
Comment: The p.T827A variant (also known as c.2479A>G), located in coding exon 13 of the ASXL1 gene, results from an A to G substitution at nucleotide position 2479. The threonine at codon 827 is replaced by alanine, an amino acid with similar properties. This amino acid position is conserved. In addition, this alteration is predicted to be tolerated by in silico analysis. Based on the available evidence, the clinical significance of this variant remains unclear.

NM_015338.6(ASXL1):c.2479A>G (p.Thr827Ala)

Gene: ASXL1 (ASXL transcriptional regulator 1; plus strand). Cytogenetic location: 20q11.21.
Variant type: single nucleotide variant.
Coding change: c.2479A>G on transcript NM_015338.6 (MANE Select); coding-DNA position 2479, A replaced by G.
Protein change: p.Thr827Ala; replaces threonine 827 with alanine.
Molecular consequence: missense variant.
Genome position (GRCh38, 1-based): chr20:32,435,191, A>G. VCF-style: chr20-32435191-A-G. GRCh37 (hg19) VCF-style: chr20-31022994-A-G.
Other names: c.2296A>G, p.Thr766Ala (NM_001363734.1); short protein forms T766A, T827A.
Identifiers: ClinVar variation 5030067 (VCV005030067.1).